The following is an entry in ClinVar:

NM_020719.3(PRR12):c.1608C>G (p.Gly536=)

Gene: PRR12 (proline rich 12; plus strand). Cytogenetic location: 19q13.33.
Variant type: single nucleotide variant.
Coding change: c.1608C>G on transcript NM_020719.3 (MANE Select); coding-DNA position 1608, C replaced by G.
Protein change: p.Gly536=; no amino-acid change (glycine 536 retained).
Molecular consequence: synonymous variant.
Genome position (GRCh38, 1-based): chr19:49,595,943, C>G. VCF-style: chr19-49595943-C-G. GRCh37 (hg19) VCF-style: chr19-50099200-C-G.
Identifiers: ClinVar variation 727479 (VCV000727479.6), dbSNP rs368158125, ClinGen allele CA9577903.

ClinVar aggregate classification (germline): Benign. Review status: criteria provided, multiple submitters, no conflicts (2 of 4 stars). 3 submissions from 3 submitters: Benign (2). 1 of the submissions does not count toward it. Last evaluated 2018-06-16.

Conditions:
PRR12-related disorder. Also called: PRR12-related condition.

Allele frequency attached by ClinVar (database versions not stated): gnomAD exomes 0.00027; ExAC 0.00032; 1000 Genomes Project 0.00080; 1000 Genomes Project 30x 0.00094; ESP Exome Variant Server 0.00118; TOPMed 0.00146; gnomAD 0.00148 and 0.00164.
gnomAD v4.1: 424 of 1,601,304 alleles (0.026%); highest among the groups gnomAD compares: African/African-American, 0.52%; 2 homozygotes.

Submissions (3):

Labcorp Genetics (formerly Invitae), Labcorp
Classification: Benign. Last evaluated: 2018-06-16. Review status: criteria provided, single submitter. Criteria: Invitae Variant Classification Sherloc (09022015). Collection method: clinical testing. Allele origin: germline.

Breakthrough Genomics
Classification: Benign. Review status: criteria provided, single submitter. Criteria: ACMG Guidelines, 2015. Collection method: not provided. Allele origin: germline. Inheritance: Autosomal dominant inheritance. Affected: yes.

PreventionGenetics, part of Exact Sciences
Classification: Likely benign for PRR12-related condition. Last evaluated: 2024-01-17. Review status: no assertion criteria provided. Collection method: clinical testing. Allele origin: germline. Not counted in ClinVar's aggregate classification.
Comment: This variant is classified as likely benign based on ACMG/AMP sequence variant interpretation guidelines (Richards et al. 2015 PMID: 25741868, with internal and published modifications).